The following is an entry in ClinVar:

ClinVar aggregate classification (germline): Uncertain significance. Review status: criteria provided, multiple submitters, no conflicts (2 of 4 stars). 2 submissions from 2 submitters: Uncertain significance (2). Last evaluated 2024-11-27.

Conditions:
Inborn genetic diseases. Identifiers: MedGen C0950123, MeSH D030342.

Submissions (2):

Ambry Genetics
Classification: Uncertain significance for Inborn genetic diseases. Last evaluated: 2024-11-27. Review status: criteria provided, single submitter. Criteria: Ambry Variant Classification Scheme 2023. Collection method: clinical testing. Allele origin: germline.

Labcorp Genetics (formerly Invitae), Labcorp
Classification: Uncertain significance. Last evaluated: 2024-04-14. Review status: criteria provided, single submitter. Criteria: Invitae Variant Classification Sherloc (09022015). Collection method: clinical testing. Allele origin: germline.
Comment: This sequence change replaces proline, which is neutral and non-polar, with leucine, which is neutral and non-polar, at codon 432 of the HR protein (p.Pro432Leu). This variant is present in population databases (rs139885496, gnomAD 0.02%). This variant has not been reported in the literature in individuals affected with HR-related conditions. An algorithm developed to predict the effect of missense changes on protein structure and function (PolyPhen-2) suggests that this variant is likely to be tolerated. In summary, the available evidence is currently insufficient to determine the role of this variant in disease. Therefore, it has been classified as a Variant of Uncertain Significance.

NM_005144.5(HR):c.1295C>T (p.Pro432Leu)

Gene: HR (HR lysine demethylase and nuclear receptor corepressor; minus strand). Cytogenetic location: 8p21.3.
Variant type: single nucleotide variant.
Coding change: c.1295C>T on transcript NM_005144.5 (MANE Select); coding-DNA position 1295, C replaced by T.
Protein change: p.Pro432Leu; replaces proline 432 with leucine.
Molecular consequence: missense variant.
Genome position (GRCh38, 1-based): chr8:22,127,147, G>A on the plus strand (C>T on the coding strand, the complement: HR is on the minus strand). VCF-style: chr8-22127147-G-A. GRCh37 (hg19) VCF-style: chr8-21984660-G-A.
Other names: c.1295C>T, p.Pro432Leu (NM_018411.4); short protein forms P432L.
Identifiers: ClinVar variation 3526557 (VCV003526557.3).
Genomic context (GRCh38, chr8:22,127,147, plus strand): 5'-GTGTCCCGCACCTCCTGCCAACCCCCAGCCCCCTGTTCTGCAGTGCCTGGAAAAGGGTCC[G>A]GTGGCCGCTTGGGGGCTGGACTGCCCATTGCTCCCTGGACCTCGGGGCTGCCTGCCCTTT-3'
Protein context (NP_005135.2, residues 422-442): AMGSPAPKRP[Pro432Leu]DPFPGTAEQG